The following is an entry in ClinVar:

ClinVar aggregate classification (germline): Benign/Likely benign. Review status: criteria provided, multiple submitters, no conflicts (2 of 4 stars). 10 submissions from 10 submitters: Benign (3); Likely benign (4). 3 of the submissions do not count toward it. Last evaluated 2026-07-01.

Conditions:
TNNC1-related disorder. Also called: TNNC1-related condition.
Cardiovascular phenotype. Identifiers: MedGen CN230736.
Hypertrophic cardiomyopathy 13. Also called: TNNC1-Related Familial Hypertrophic Cardiomyopathy. Identifiers: MedGen C2750472, MONDO:0013195, OMIM 613243.
Dilated cardiomyopathy 1Z (CMD1Z). Identifiers: Orphanet 154, MedGen C2678475, MONDO:0012745, OMIM 611879.

Allele frequency attached by ClinVar (database versions not stated): gnomAD exomes 0.00013 and 0.00036; ExAC 0.00046; 1000 Genomes Project 30x 0.00141; gnomAD 0.00142 and 0.00151; ESP Exome Variant Server 0.00154; 1000 Genomes Project 0.00160; TOPMed 0.00177.
gnomAD v4.1: 433 of 1,612,976 alleles (0.027%); highest among the groups gnomAD compares: African/African-American, 0.47%; no homozygotes.

Submissions (10):

CeGaT Center for Human Genetics Tuebingen
Classification: Likely benign. Last evaluated: 2026-07-01. Review status: criteria provided, single submitter. Criteria: CeGaT Center For Human Genetics Tuebingen Variant Classification Criteria Version 2. Collection method: clinical testing. Allele origin: germline. Affected: yes. Observed: 1 variant allele.
Comment: TNNC1: BP4, BS1

Labcorp Genetics (formerly Invitae), Labcorp
Classification: Benign for Hypertrophic cardiomyopathy 13; Dilated cardiomyopathy 1Z. Last evaluated: 2026-02-03. Review status: criteria provided, single submitter. Criteria: Invitae Variant Classification Sherloc (09022015). Collection method: clinical testing. Allele origin: germline.

Molecular Diagnostic Laboratory for Inherited Cardiovascular Disease, Montreal Heart Institute
Classification: Benign. Last evaluated: 2025-04-09. Review status: criteria provided, single submitter. Criteria: ACMG Guidelines, 2015. Collection method: clinical testing. Allele origin: germline. Affected: no.
Comment: BS1;BP6

Blueprint Genetics
Classification: Likely benign. Last evaluated: 2024-08-26. Review status: criteria provided, single submitter. Criteria: ACMG Guidelines, 2015. Collection method: clinical testing. Allele origin: germline.

Ambry Genetics
Classification: Likely benign for Cardiovascular phenotype. Last evaluated: 2019-03-12. Review status: criteria provided, single submitter. Criteria: Ambry Variant Classification Scheme 2023. Collection method: clinical testing. Allele origin: germline.

Laboratory for Molecular Medicine, Mass General Brigham Personalized Medicine
Classification: Likely benign. Last evaluated: 2015-04-07. Review status: criteria provided, single submitter. Criteria: LMM Criteria. Collection method: clinical testing. Allele origin: germline. Observed: 3 variant alleles.
Comment: c.203-5C>T in intron 3 of TNNC1: This variant is not expected to have clinical s ignificance because it has been identified in 0.5% (51/10390) of African chromos omes by the Exome Aggregation Consortium (ExAC; dbSNP rs142519988).

GeneDx
Classification: Benign. Last evaluated: 2015-03-03. Review status: criteria provided, single submitter. Criteria: GeneDx Variant Classification Process June 2021. Collection method: clinical testing. Allele origin: germline. Affected: yes.

PreventionGenetics, part of Exact Sciences
Classification: Benign for TNNC1-related condition. Last evaluated: 2020-01-02. Review status: no assertion criteria provided. Collection method: clinical testing. Allele origin: germline. Not counted in ClinVar's aggregate classification.
Comment: This variant is classified as benign based on ACMG/AMP sequence variant interpretation guidelines (Richards et al. 2015 PMID: 25741868, with internal and published modifications).

Clinical Genetics DNA and cytogenetics Diagnostics Lab, Erasmus MC, Erasmus Medical Center
Classification: Likely benign. Review status: no assertion criteria provided. Collection method: clinical testing. Allele origin: germline. Affected: yes. Study: VKGL Data-share Consensus. Not counted in ClinVar's aggregate classification.

Clinical Genetics, Academic Medical Center
Classification: Benign. Review status: no assertion criteria provided. Collection method: clinical testing. Allele origin: germline. Affected: yes. Study: VKGL Data-share Consensus. Not counted in ClinVar's aggregate classification.

NM_003280.3(TNNC1):c.203-5C>T

Gene: TNNC1 (troponin C1, slow skeletal and cardiac type; minus strand). Cytogenetic location: 3p21.1.
Variant type: single nucleotide variant.
Coding change: c.203-5C>T on transcript NM_003280.3 (MANE Select); 5 bases into the intron before coding-DNA position 203, C replaced by T.
Molecular consequence: intron variant.
Genome position (GRCh38, 1-based): chr3:52,451,863, G>A on the plus strand (C>T on the coding strand, the complement: TNNC1 is on the minus strand). VCF-style: chr3-52451863-G-A. GRCh37 (hg19) VCF-style: chr3-52485879-G-A.
Identifiers: ClinVar variation 165493 (VCV000165493.28), dbSNP rs142519988, ClinGen allele CA178251.